The following is an entry in ClinVar:

ClinVar aggregate classification (germline): Uncertain significance. Review status: criteria provided, multiple submitters, no conflicts (2 of 4 stars). 8 submissions from 3 submitters: Uncertain significance (8). Last evaluated 2025-10-24.

Conditions:
Patterned macular dystrophy 1. Also called: MACULAR DYSTROPHY, BUTTERFLY-SHAPED PIGMENTARY; BUTTERFLY DYSTROPHY OF RETINAL PIGMENT EPITHELIUM. Identifiers: Orphanet 99001, MedGen C4551999, MONDO:0008210, OMIM 169150.
Choroidal dystrophy, central areolar 2 (CACD2). Also called: Choriodal Dystrophy, Central Areolar 2; MACULAR DYSTROPHY, PROGRESSIVE. Identifiers: Orphanet 75377, MedGen C2751290, MONDO:0013137, OMIM 613105.
Pigmentary retinal dystrophy. Also called: Fundus albipunctatus. Identifiers: Orphanet 227796, Orphanet 52427, MedGen C0311338, MONDO:0007639, OMIM 136880, HP:0030642.
Retinitis pigmentosa (RP). Identifiers: Orphanet 791, MedGen C0035334, MeSH D012174, MONDO:0019200, OMIM 268000. Inheritance: Autosomal dominant, autosomal recessive and X linked inheritance.
Adult-onset foveomacular vitelliform dystrophy. Also called: FOVEOMACULAR DYSTROPHY, ADULT-ONSET, WITH OR WITHOUT CHOROIDAL NEOVASCULARIZATION; FOVEOMACULAR DYSTROPHY, ADULT-ONSET; Adult onset vitelliform dystrophy. Identifiers: Orphanet 99000, MedGen C1842914, MONDO:0011979.
PRPH2-related disorder. Also called: PRPH2-related condition; PRPH2-related disorders. Identifiers: MedGen CN239395.
Cone-rod dystrophy. Also called: Cone/cone-rod dystrophy; Cone-rod degeneration. Identifiers: Orphanet 1872, MedGen C4085590, MONDO:0015993, HP:0000548.

Allele frequency attached by ClinVar (database versions not stated): TOPMed below 0.00001.
gnomAD v4.1: 1 of 1,614,194 alleles (0.000062%); highest among the groups gnomAD compares: Non-Finnish European, 0.000085%; no homozygotes.

Submissions (8):

Labcorp Genetics (formerly Invitae), Labcorp
Classification: Uncertain significance for PRPH2-related disorder. Last evaluated: 2025-10-24. Review status: criteria provided, single submitter. Criteria: Invitae Variant Classification Sherloc (09022015). Collection method: clinical testing. Allele origin: germline.
Comment: This sequence change replaces glutamic acid, which is acidic and polar, with lysine, which is basic and polar, at codon 162 of the PRPH2 protein (p.Glu162Lys). This variant is not present in population databases (gnomAD no frequency). This variant has not been reported in the literature in individuals affected with PRPH2-related conditions. ClinVar contains an entry for this variant (Variation ID: 909079). Invitae Evidence Modeling of protein sequence and biophysical properties (such as structural, functional, and spatial information, amino acid conservation, physicochemical variation, residue mobility, and thermodynamic stability) indicates that this missense variant is expected to disrupt PRPH2 protein function with a positive predictive value of 95%. In summary, the available evidence is currently insufficient to determine the role of this variant in disease. Therefore, it has been classified as a Variant of Uncertain Significance.

Blueprint Genetics
Classification: Uncertain significance. Last evaluated: 2022-08-20. Review status: criteria provided, single submitter. Criteria: ACMG Guidelines, 2015. Collection method: clinical testing. Allele origin: germline.

Illumina Laboratory Services, Illumina
Classification: Uncertain significance for Choroidal dystrophy, central areolar 2. Last evaluated: 2018-01-12. Review status: criteria provided, single submitter. Criteria: ICSL Variant Classification Criteria 13 December 2019. Collection method: clinical testing. Allele origin: germline.

Illumina Laboratory Services, Illumina
Classification: Uncertain significance for Pigmentary retinal dystrophy. Last evaluated: 2018-01-12. Review status: criteria provided, single submitter. Criteria: ICSL Variant Classification Criteria 13 December 2019. Collection method: clinical testing. Allele origin: germline.

Illumina Laboratory Services, Illumina
Classification: Uncertain significance for Retinitis pigmentosa. Last evaluated: 2018-01-12. Review status: criteria provided, single submitter. Criteria: ICSL Variant Classification Criteria 13 December 2019. Collection method: clinical testing. Allele origin: germline.

Illumina Laboratory Services, Illumina
Classification: Uncertain significance for Patterned macular dystrophy 1. Last evaluated: 2018-01-12. Review status: criteria provided, single submitter. Criteria: ICSL Variant Classification Criteria 13 December 2019. Collection method: clinical testing. Allele origin: germline.

Illumina Laboratory Services, Illumina
Classification: Uncertain significance for Vitelliform macular dystrophy 3. Last evaluated: 2018-01-12. Review status: criteria provided, single submitter. Criteria: ICSL Variant Classification Criteria 13 December 2019. Collection method: clinical testing. Allele origin: germline.

Illumina Laboratory Services, Illumina
Classification: Uncertain significance for Cone-rod dystrophy. Last evaluated: 2018-01-12. Review status: criteria provided, single submitter. Criteria: ICSL Variant Classification Criteria 13 December 2019. Collection method: clinical testing. Allele origin: germline.

NM_000322.5(PRPH2):c.484G>A (p.Glu162Lys)

Gene: PRPH2 (peripherin 2; minus strand). Cytogenetic location: 6p21.1.
Variant type: single nucleotide variant.
Coding change: c.484G>A on transcript NM_000322.5 (MANE Select); coding-DNA position 484, G replaced by A.
Protein change: p.Glu162Lys; replaces glutamic acid 162 with lysine.
Molecular consequence: missense variant.
Genome position (GRCh38, 1-based): chr6:42,721,851, C>T on the plus strand (G>A on the coding strand, the complement: PRPH2 is on the minus strand). VCF-style: chr6-42721851-C-T. GRCh37 (hg19) VCF-style: chr6-42689589-C-T.
Other names: short protein forms E162K.
Identifiers: ClinVar variation 909079 (VCV000909079.6), dbSNP rs769939935, ClinGen allele CA3808603.